The following is an entry in ClinVar:

ClinVar aggregate classification (germline): Uncertain significance (1 of 4 stars; one submission).

Conditions:
Bethlem myopathy 1A. Also called: MYOPATHY, BENIGN CONGENITAL, WITH CONTRACTURES; Bethlem myopathy 1; Bethlem Muscular Dystrophy. Identifiers: Orphanet 610, MedGen CN029274, MONDO:0024530, OMIM 158810.

Submission:

Labcorp Genetics (formerly Invitae), Labcorp
Classification: Uncertain significance for Bethlem myopathy 1A. Last evaluated: 2024-07-15. Review status: criteria provided, single submitter. Criteria: Invitae Variant Classification Sherloc (09022015). Collection method: clinical testing. Allele origin: germline.
Comment: This sequence change replaces phenylalanine, which is neutral and non-polar, with valine, which is neutral and non-polar, at codon 1324 of the COL6A3 protein (p.Phe1324Val). This variant is not present in population databases (gnomAD no frequency). This variant has not been reported in the literature in individuals affected with COL6A3-related conditions. Advanced modeling of protein sequence and biophysical properties (such as structural, functional, and spatial information, amino acid conservation, physicochemical variation, residue mobility, and thermodynamic stability) performed at Invitae indicates that this missense variant is expected to disrupt COL6A3 protein function with a positive predictive value of 80%. In summary, the available evidence is currently insufficient to determine the role of this variant in disease. Therefore, it has been classified as a Variant of Uncertain Significance.

NM_004369.4(COL6A3):c.3970T>G (p.Phe1324Val)

Gene: COL6A3 (collagen type VI alpha 3 chain; minus strand). Cytogenetic location: 2q37.3.
Variant type: single nucleotide variant.
Coding change: c.3970T>G on transcript NM_004369.4 (MANE Select); coding-DNA position 3970, T replaced by G.
Protein change: p.Phe1324Val; replaces phenylalanine 1324 with valine.
Molecular consequence: missense variant.
Genome position (GRCh38, 1-based): chr2:237,372,047, A>C on the plus strand (T>G on the coding strand, the complement: COL6A3 is on the minus strand). VCF-style: chr2-237372047-A-C. GRCh37 (hg19) VCF-style: chr2-238280690-A-C.
Other names: c.2749T>G, p.Phe917Val (NM_057164.5); c.3352T>G, p.Phe1118Val (NM_057165.5, NM_057167.4); c.2149T>G, p.Phe717Val (NM_057166.5); short protein forms F717V, F1324V, F917V, F1118V.
Identifiers: ClinVar variation 3704700 (VCV003704700.2).